The following is an entry in ClinVar:

NC_000017.10:g.(?_32908096)_(32908182_?)dup

Gene: TMEM132E (transmembrane protein 132E; plus strand). Cytogenetic location: 17q12.
Variant type: Duplication.
Identifiers: ClinVar variation 1373869 (VCV001373869.4).

ClinVar aggregate classification (germline): Uncertain significance (1 of 4 stars; one submission).

Submission:

Labcorp Genetics (formerly Invitae), Labcorp
Classification: Uncertain significance. Last evaluated: 2022-08-10. Review status: criteria provided, single submitter. Criteria: Invitae Variant Classification Sherloc (09022015). Collection method: clinical testing. Allele origin: germline.
Comment: This variant results in a copy number gain of the genomic region encompassing exon(s) 1 of the TMEM132E gene. This region includes the initiator codon of the gene. This copy number gain extends beyond the assayed region for this gene and therefore may encompass additional genes. As the precise location of this event is unknown, it may be in tandem or it may be located elsewhere in the genome. This variant has not been reported in the literature in individuals affected with TMEM132E-related conditions. In summary, the available evidence is currently insufficient to determine the role of this variant in disease. Therefore, it has been classified as a Variant of Uncertain Significance.